The following is an entry in ClinVar:

NM_001365951.3(KIF1B):c.646C>T (p.Arg216Cys)

Gene: KIF1B (kinesin family member 1B; plus strand). Cytogenetic location: 1p36.22.
Variant type: single nucleotide variant.
Coding change: c.646C>T on transcript NM_001365951.3 (MANE Select); coding-DNA position 646, C replaced by T.
Protein change: p.Arg216Cys; replaces arginine 216 with cysteine.
Molecular consequence: missense variant.
Genome position (GRCh38, 1-based): chr1:10,268,189, C>T. VCF-style: chr1-10268189-C-T. GRCh37 (hg19) VCF-style: chr1-10328247-C-T.
Other names: c.646C>T, p.Arg216Cys (NM_001365952.1, NM_001365953.1, NM_015074.3 and 1 more transcripts); short protein forms R216C.
Identifiers: ClinVar variation 2624432 (VCV002624432.2), dbSNP rs773352436, ClinGen allele CA580751.

ClinVar aggregate classification (germline): Uncertain significance (1 of 4 stars; one submission).

Allele frequency attached by ClinVar (database versions not stated): ExAC 0.00001.

Submission:

Ambry Genetics
Classification: Uncertain significance. Last evaluated: 2023-07-06. Review status: criteria provided, single submitter. Criteria: Ambry Variant Classification Scheme 2023. Collection method: clinical testing. Allele origin: germline.
Comment: The p.R216C variant (also known as c.646C>T), located in coding exon 6 of the KIF1B gene, results from a C to T substitution at nucleotide position 646. The arginine at codon 216 is replaced by cysteine, an amino acid with highly dissimilar properties. This amino acid position is conserved. In addition, this alteration is predicted to be deleterious by in silico analysis. Since supporting evidence is limited at this time, the clinical significance of this alteration remains unclear.